The following is an entry in ClinVar:

ClinVar aggregate classification (germline): Benign/Likely benign. Review status: criteria provided, multiple submitters, no conflicts (2 of 4 stars). 3 submissions from 3 submitters: Benign (1); Likely benign (1). 1 of the submissions does not count toward it. Last evaluated 2026-01-15.

Conditions:
Brugada syndrome 5 (BRGDA5). Identifiers: Orphanet 130, Orphanet 871, MedGen C2748541, MONDO:0013015, OMIM 612838.
SCN1B-related disorder. Also called: SCN1B-related condition; SCN1B-Related Disorders.

Allele frequency attached by ClinVar (database versions not stated): gnomAD exomes 0.00002 and 0.00004; gnomAD 0.00004; TOPMed 0.00004.
gnomAD v4.1: 69 of 1,613,522 alleles (0.0043%); highest among the groups gnomAD compares: Non-Finnish European, 0.0057%; no homozygotes.

Submissions (3):

Labcorp Genetics (formerly Invitae), Labcorp
Classification: Likely benign for Brugada syndrome 5. Last evaluated: 2026-01-15. Review status: criteria provided, single submitter. Criteria: Invitae Variant Classification Sherloc (09022015). Collection method: clinical testing. Allele origin: germline.

GeneDx
Classification: Benign. Last evaluated: 2015-04-17. Review status: criteria provided, single submitter. Criteria: GeneDx Variant Classification Process June 2021. Collection method: clinical testing. Allele origin: germline. Affected: yes.

PreventionGenetics, part of Exact Sciences
Classification: Likely benign for SCN1B-related condition. Last evaluated: 2019-06-13. Review status: no assertion criteria provided. Collection method: clinical testing. Allele origin: germline. Not counted in ClinVar's aggregate classification.
Comment: This variant is classified as likely benign based on ACMG/AMP sequence variant interpretation guidelines (Richards et al. 2015 PMID: 25741868, with internal and published modifications).

NM_001037.5(SCN1B):c.448+48A>C

Gene: SCN1B (sodium voltage-gated channel beta subunit 1; plus strand). Cytogenetic location: 19q13.11.
Variant type: single nucleotide variant.
Coding change: c.448+48A>C on transcript NM_001037.5 (MANE Select); 48 bases into the intron after coding-DNA position 448, A replaced by C.
Molecular consequence: intron variant. On other transcripts: synonymous variant (1).
Genome position (GRCh38, 1-based): chr19:35,033,787, A>C. VCF-style: chr19-35033787-A-C. GRCh37 (hg19) VCF-style: chr19-35524691-A-C.
Other names: c.496A>C, p.Arg166= (NM_199037.5); c.349+48A>C (NM_001321605.2); c.496A>C (NM_199037.4).
Identifiers: ClinVar variation 700132 (VCV000700132.13), dbSNP rs757515975, ClinGen allele CA307703734.
Genomic context (GRCh38, chr19:35,033,787, plus strand): 5'-GTAGTGGACAAAGGTGAGTCGGGTGCTGCCTGCCCCTTTACCGTCACCCACCGGAGAGCC[A>C]GATGGAGGGACAGATGGCAGGCAGTGGACAGGACAGGCTGGCTCTGTGCCTGGCCAGCCA-3'